The following is an entry in ClinVar:

ClinVar aggregate classification (germline): Likely pathogenic (1 of 4 stars; one submission).

Submission:

GeneDx
Classification: Likely pathogenic. Last evaluated: 2019-09-24. Review status: criteria provided, single submitter. Criteria: GeneDx Variant Classification Process June 2021. Collection method: clinical testing. Allele origin: germline. Affected: yes.
Comment: Not observed in large population cohorts (Lek et al., 2016); In silico analysis, which includes protein predictors and evolutionary conservation, supports a deleterious effect; Has not been previously published as pathogenic or benign to our knowledge

NM_004859.4(CLTC):c.4426G>A (p.Asp1476Asn)

Genes: CLTC (clathrin heavy chain; plus strand), LOC126862609 (CDK7 strongly-dependent group 2 enhancer GRCh37_chr17:57760547-57761746; plus strand). Cytogenetic location: 17q23.1.
Variant type: single nucleotide variant.
Coding change: c.4426G>A on transcript NM_004859.4 (MANE Select); coding-DNA position 4426, G replaced by A.
Protein change: p.Asp1476Asn; replaces aspartic acid 1476 with asparagine.
Molecular consequence: missense variant.
Genome position (GRCh38, 1-based): chr17:59,683,977, G>A. VCF-style: chr17-59683977-G-A. GRCh37 (hg19) VCF-style: chr17-57761338-G-A.
Other names: c.4438G>A, p.Asp1480Asn (NM_001288653.2); short protein forms D1476N, D1480N.
Identifiers: ClinVar variation 1190887 (VCV001190887.2), dbSNP rs2143597221, ClinGen allele CA400421601.